The following is an entry in ClinVar:

NM_001849.4(COL6A2):c.955-3C>G

Gene: COL6A2 (collagen type VI alpha 2 chain; plus strand). Cytogenetic location: 21q22.3.
Variant type: single nucleotide variant.
Coding change: c.955-3C>G on transcript NM_001849.4 (MANE Select); 3 bases into the intron before coding-DNA position 955, C replaced by G.
Molecular consequence: intron variant.
Genome position (GRCh38, 1-based): chr21:46,116,767, C>G. VCF-style: chr21-46116767-C-G. GRCh37 (hg19) VCF-style: chr21-47536681-C-G.
Other names: NM_058174.3:c.955-3C>G; c.955-3C>G (NM_058175.3, NM_058174.3).
Identifiers: ClinVar variation 1679825 (VCV001679825.1), dbSNP rs1208931749, ClinGen allele CA658820628.

ClinVar aggregate classification (germline): Uncertain significance (1 of 4 stars; one submission).

Conditions:
Ullrich congenital muscular dystrophy 1A. Also called: Intermediate COL6-RD; Ullrich congenital muscular dystrophy 1. Identifiers: Orphanet 75840, MedGen C0410179, MONDO:0009681, OMIM 254090.

Submission:

Broad Center for Mendelian Genomics, Broad Institute of MIT and Harvard
Classification: Uncertain significance for Ullrich congenital muscular dystrophy 1A. Last evaluated: 2022-05-04. Review status: criteria provided, single submitter. Criteria: ACMG Guidelines, 2015. Collection method: curation. Allele origin: germline. Inheritance: Autosomal dominant inheritance.
Comment: The heterozygous c.955-3C>G variant in COL6A2 was identified by our study in 2 family members with Ullrich congenital muscular dystrophy 1. The variant has not been previously reported in individuals with Ullrich congenital muscular dystrophy 1 and was absent from large population studies. Computational prediction tools and conservation analyses suggest that this variant may impact the protein, though this information is not predictive enough to determine pathogenicity. In summary, the clinical significance of the c.955-3C>G variant is uncertain. ACMG/AMP Criteria applied: PM2, PP3 (Richards 2015).